The following is an entry in ClinVar:

NM_052844.4(DYNC2I2):c.1249G>A (p.Val417Ile)

Gene: DYNC2I2 (dynein 2 intermediate chain 2; minus strand). Cytogenetic location: 9q34.11.
Variant type: single nucleotide variant.
Coding change: c.1249G>A on transcript NM_052844.4 (MANE Select); coding-DNA position 1249, G replaced by A.
Protein change: p.Val417Ile; replaces valine 417 with isoleucine.
Molecular consequence: missense variant.
Genome position (GRCh38, 1-based): chr9:128,634,349, C>T on the plus strand (G>A on the coding strand, the complement: DYNC2I2 is on the minus strand). VCF-style: chr9-128634349-C-T. GRCh37 (hg19) VCF-style: chr9-131396628-C-T.
Other names: short protein forms V417I.
Identifiers: ClinVar variation 2016961 (VCV002016961.4), dbSNP rs2542428685, ClinGen allele CA375110060.

ClinVar aggregate classification (germline): Uncertain significance (1 of 4 stars; one submission).

Conditions:
Short-rib thoracic dysplasia 11 with or without polydactyly (SRTD11). Also called: SHORT-RIB THORACIC DYSPLASIA 11 WITHOUT POLYDACTYLY. Identifiers: Orphanet 474, Orphanet 93271, MedGen C3810200, MONDO:0014287, OMIM 615633.

Submission:

Labcorp Genetics (formerly Invitae), Labcorp
Classification: Uncertain significance for Short-rib thoracic dysplasia 11 with or without polydactyly. Last evaluated: 2023-04-14. Review status: criteria provided, single submitter. Criteria: Invitae Variant Classification Sherloc (09022015). Collection method: clinical testing. Allele origin: germline.
Comment: In summary, the available evidence is currently insufficient to determine the role of this variant in disease. Therefore, it has been classified as a Variant of Uncertain Significance. Algorithms developed to predict the effect of missense changes on protein structure and function output the following: SIFT: "Not Available"; PolyPhen-2: "Benign"; Align-GVGD: "Not Available". The isoleucine amino acid residue is found in multiple mammalian species, which suggests that this missense change does not adversely affect protein function. ClinVar contains an entry for this variant (Variation ID: 2016961). This variant has not been reported in the literature in individuals affected with WDR34-related conditions. This variant is not present in population databases (gnomAD no frequency). This sequence change replaces valine, which is neutral and non-polar, with isoleucine, which is neutral and non-polar, at codon 417 of the WDR34 protein (p.Val417Ile).